The following is an entry in ClinVar:

ClinVar aggregate classification (germline): Uncertain significance (1 of 4 stars; one submission).

Conditions:
Charcot-Marie-Tooth disease dominant intermediate C (CMTDIC). Also called: CHARCOT-MARIE-TOOTH NEUROPATHY, DOMINANT INTERMEDIATE C. Identifiers: Orphanet 100045, MedGen C1842237, MONDO:0012012, OMIM 608323.

gnomAD v4.1: 1 of 1,614,120 alleles (0.000062%); highest among the groups gnomAD compares: Non-Finnish European, 0.000085%; no homozygotes.

Submission:

Labcorp Genetics (formerly Invitae), Labcorp
Classification: Uncertain significance for Charcot-Marie-Tooth disease dominant intermediate C. Last evaluated: 2025-03-05. Review status: criteria provided, single submitter. Criteria: Invitae Variant Classification Sherloc (09022015). Collection method: clinical testing. Allele origin: germline.
Comment: This sequence change falls in intron 2 of the YARS gene. It does not directly change the encoded amino acid sequence of the YARS protein. It affects a nucleotide within the consensus splice site. This variant is not present in population databases (gnomAD no frequency). This variant has not been reported in the literature in individuals affected with YARS-related conditions. Variants that disrupt the consensus splice site are a relatively common cause of aberrant splicing (PMID: 17576681, 9536098). Algorithms developed to predict the effect of sequence changes on RNA splicing suggest that this variant is not likely to affect RNA splicing. In summary, the available evidence is currently insufficient to determine the role of this variant in disease. Therefore, it has been classified as a Variant of Uncertain Significance.

Literature cited by the submitters: PubMed 17576681; PubMed 9536098.

NM_003680.4(YARS1):c.205-3C>T

Gene: YARS1 (tyrosyl-tRNA synthetase 1; minus strand). Cytogenetic location: 1p35.1.
Variant type: single nucleotide variant.
Coding change: c.205-3C>T on transcript NM_003680.4 (MANE Select); 3 bases into the intron before coding-DNA position 205, C replaced by T.
Molecular consequence: intron variant.
Genome position (GRCh38, 1-based): chr1:32,810,769, G>A on the plus strand (C>T on the coding strand, the complement: YARS1 is on the minus strand). VCF-style: chr1-32810769-G-A. GRCh37 (hg19) VCF-style: chr1-33276370-G-A.
Identifiers: ClinVar variation 4749538 (VCV004749538.1).
Genomic context (GRCh38, chr1:32,810,769, plus strand): 5'-CCCATGGGGCTTTCATGTTATCCAGGTATGCGTGGAGGTCCGCAAACAGAATTGTTACCT[G>A]GACAAGAGATAAGGGGCCACCAAAATGTGAATTTGTCCAATTACCTCCAACCTGTCTCCT-3'